The following is an entry in ClinVar:

NM_177438.3(DICER1):c.735-1_741delinsA

Gene: DICER1 (dicer 1, ribonuclease III; minus strand). Cytogenetic location: 14q32.13.
Variant type: Indel.
Coding change: c.735-1_741delinsA on transcript NM_177438.3 (MANE Select); the canonical splice acceptor site of the intron before coding-DNA position 735 through coding-DNA position 741, GGTATACT replaced by A.
Molecular consequence: splice acceptor variant.
Genome position (GRCh38, 1-based): chr14:95,126,742-95,126,749, AGTATACC replaced by T on the plus strand (GGTATACT replaced by A on the coding strand, the reverse complement: DICER1 is on the minus strand). VCF-style: chr14-95126742-AGTATACC-T. GRCh37 (hg19) VCF-style: chr14-95593079-AGTATACC-T.
Other names: 3' splice site, intron 6; NC_000014.9:g.95126742_95126749delinsT; c.735-1_741delGGTATACTinsA (NM_177438.2); c.735-1_741delinsA (NM_001291628.2, NM_030621.4, NM_001271282.3 and 1 more transcripts).
Identifiers: ClinVar variation 254352 (VCV000254352.4), dbSNP rs886037731, ClinGen allele CA10586466.

ClinVar aggregate classification (germline): Pathogenic/Likely pathogenic. Review status: criteria provided, multiple submitters, no conflicts (2 of 4 stars). 2 submissions from 2 submitters: Pathogenic (1); Likely pathogenic (1). Last evaluated 2019-07-01.

Conditions:
DICER1-related tumor predisposition. Also called: DICER1 syndrome; DICER1-related pleuropulmonary blastoma cancer predisposition syndrome. Identifiers: Orphanet 284343, MedGen C3839822, MONDO:0100216.

Submissions (2):

Foulkes Cancer Genetics LDI, Lady Davis Institute for Medical Research
Classification: Likely pathogenic for Pleuropulmonary blastoma. Last evaluated: 2019-07-01. Review status: criteria provided, single submitter. Criteria: ACMG Guidelines, 2015. Collection method: curation. Allele origin: germline. Affected: yes. Observed: 1 variant allele.
Comment: ACMG criteria met: PVS1, PM2

International Pleuropulmonary Blastoma Registry, Children's Hospitals and Clinics of Minnesota
Classification: Pathogenic for Pleuropulmonary blastoma. Last evaluated: 2014-11-10. Review status: criteria provided, single submitter. Criteria: Hill et al. (Science. 2009). Collection method: clinical testing. Allele origin: germline. Affected: yes. Study: PPB-DICER1 Genetic study.

Literature cited by the submitters: PubMed 26925222 (cited by Foulkes Cancer Genetics LDI, Lady Davis Institute for Medical Research and International Pleuropulmonary Blastoma Registry, Children's Hospitals and Clinics of Minnesota).